The following is an entry in ClinVar:

NM_001371986.1(UNC80):c.-52_45dup (p.Arg16Ter)

Gene: UNC80 (unc-80 subunit of NALCN channel complex; plus strand). Cytogenetic location: 2q34.
Variant type: Duplication.
Coding change: c.-52_45dup on transcript NM_001371986.1 (MANE Select); 52 bases upstream of the start codon through coding-DNA position 45, 97 bases duplicated.
Protein change: p.Arg16Ter; replaces arginine 16 with a stop codon.
Molecular consequence: nonsense, initiator codon variant.
Genome position (GRCh38, 1-based): chr2:209,772,021-209,772,117, 97 bases duplicated. GRCh37 (hg19): chr2:210,636,745-210,636,841.
Other names: c.-52_45dup, p.Arg16Ter (NM_032504.2, NM_182587.4); short protein forms R16*.
Identifiers: ClinVar variation 1352691 (VCV001352691.5), dbSNP rs2153824303, ClinGen allele CA2573130384.

ClinVar aggregate classification (germline): Uncertain significance (1 of 4 stars; one submission).

Conditions:
Hypotonia, infantile, with psychomotor retardation and characteristic facies 2 (IHPRF2). Also called: UNC80 Deficiency. Identifiers: Orphanet 371364, Orphanet 700333, MedGen C4225203, MONDO:0014777, OMIM 616801.

Submission:

Labcorp Genetics (formerly Invitae), Labcorp
Classification: Uncertain significance. Last evaluated: 2022-08-09. Review status: criteria provided, single submitter. Criteria: Invitae Variant Classification Sherloc (09022015). Collection method: clinical testing. Allele origin: germline.
Comment: This variant is not present in population databases (gnomAD no frequency). This variant occurs in a non-coding region of the UNC80 gene. It does not change the encoded amino acid sequence of the UNC80 protein. This variant has not been reported in the literature in individuals affected with UNC80-related conditions. In summary, the available evidence is currently insufficient to determine the role of this variant in disease. Therefore, it has been classified as a Variant of Uncertain Significance. Algorithms developed to predict the effect of sequence changes on RNA splicing suggest that this variant may create or strengthen a splice site. ClinVar contains an entry for this variant (Variation ID: 1352691).